The following is an entry in ClinVar:

NM_032898.5(CEP19):c.175_176del (p.Lys59fs)

Gene: CEP19 (centrosomal protein 19; minus strand). Cytogenetic location: 3q29.
Variant type: Deletion.
Coding change: c.175_176del on transcript NM_032898.5 (MANE Select); coding-DNA positions 175 to 176, 2 bases deleted (AA; older notation c.175_176delAA).
Protein change: p.Lys59fs; shifts the reading frame from lysine 59.
Molecular consequence: frameshift variant.
Genome position (GRCh38, 1-based): chr3:196,707,867-196,707,868, TT deleted on the plus strand (AA on the coding strand, the reverse complement: CEP19 is on the minus strand). VCF-style (leftmost placement, unchanged base first): chr3-196707866-CTT-C. GRCh37 (hg19) VCF-style: chr3-196434737-CTT-C.
Other names: c.70_71del, p.Lys24fs (NM_001379468.1); c.175_176del, p.Lys59fs (NM_001379469.1, NM_001379470.1); short protein forms K24fs, K59fs.
Identifiers: ClinVar variation 3630988 (VCV003630988.2).

ClinVar aggregate classification (germline): Uncertain significance (1 of 4 stars; one submission).

Submission:

Labcorp Genetics (formerly Invitae), Labcorp
Classification: Uncertain significance. Last evaluated: 2024-10-08. Review status: criteria provided, single submitter. Criteria: Invitae Variant Classification Sherloc (09022015). Collection method: clinical testing. Allele origin: germline.
Comment: This sequence change creates a premature translational stop signal (p.Lys63Glufs*41) in the CEP19 gene. While this is not anticipated to result in nonsense mediated decay, it is expected to disrupt the last 105 amino acid(s) of the CEP19 protein. This variant is not present in population databases (gnomAD no frequency). This variant has not been reported in the literature in individuals affected with CEP19-related conditions. Experimental studies and prediction algorithms are not available or were not evaluated, and the functional significance of this variant is currently unknown. In summary, the available evidence is currently insufficient to determine the role of this variant in disease. Therefore, it has been classified as a Variant of Uncertain Significance.